The following is an entry in ClinVar:

ClinVar aggregate classification (germline): Uncertain significance (1 of 4 stars; one submission).

Conditions:
Ehlers-Danlos syndrome, dermatosparaxis type. Also called: Ehlers-Danlos syndrome, type VII, autosomal recessive; EDS VIIC; Dermatosparaxis. Identifiers: Orphanet 1901, MedGen C2700425, MONDO:0009161, OMIM 225410.

gnomAD v4.1: 1 of 1,599,324 alleles (0.000063%); highest among the groups gnomAD compares: Non-Finnish European, 0.000085%; no homozygotes.

Submission:

Labcorp Genetics (formerly Invitae), Labcorp
Classification: Uncertain significance for Ehlers-Danlos syndrome, dermatosparaxis type. Last evaluated: 2022-06-27. Review status: criteria provided, single submitter. Criteria: Invitae Variant Classification Sherloc (09022015). Collection method: clinical testing. Allele origin: germline.
Comment: Algorithms developed to predict the effect of missense changes on protein structure and function (SIFT, PolyPhen-2, Align-GVGD) all suggest that this variant is likely to be disruptive. In summary, the available evidence is currently insufficient to determine the role of this variant in disease. Therefore, it has been classified as a Variant of Uncertain Significance. This variant has not been reported in the literature in individuals affected with ADAMTS2-related conditions. This variant is not present in population databases (gnomAD no frequency). This sequence change replaces proline, which is neutral and non-polar, with histidine, which is basic and polar, at codon 1053 of the ADAMTS2 protein (p.Pro1053His).

NM_014244.5(ADAMTS2):c.3158C>A (p.Pro1053His)

Gene: ADAMTS2 (ADAM metallopeptidase with thrombospondin type 1 motif 2; minus strand). Cytogenetic location: 5q35.3.
Variant type: single nucleotide variant.
Coding change: c.3158C>A on transcript NM_014244.5 (MANE Select); coding-DNA position 3158, C replaced by A.
Protein change: p.Pro1053His; replaces proline 1053 with histidine.
Molecular consequence: missense variant.
Genome position (GRCh38, 1-based): chr5:179,121,681, G>T on the plus strand (C>A on the coding strand, the complement: ADAMTS2 is on the minus strand). VCF-style: chr5-179121681-G-T. GRCh37 (hg19) VCF-style: chr5-178548682-G-T.
Other names: short protein forms P1053H.
Identifiers: ClinVar variation 1945235 (VCV001945235.5), dbSNP rs1762766337, ClinGen allele CA362416914.